The following is an entry in ClinVar:

NM_004817.4(TJP2):c.1917C>T (p.Asp639=)

Gene: TJP2 (tight junction protein 2; plus strand). Cytogenetic location: 9q21.11.
Variant type: single nucleotide variant.
Coding change: c.1917C>T on transcript NM_004817.4 (MANE Select); coding-DNA position 1917, C replaced by T.
Protein change: p.Asp639=; no amino-acid change (aspartic acid 639 retained).
Molecular consequence: synonymous variant.
Genome position (GRCh38, 1-based): chr9:69,236,164, C>T. VCF-style: chr9-69236164-C-T. GRCh37 (hg19) VCF-style: chr9-71851080-C-T.
Other names: p.Asp639=; c.1929C>T, p.Asp643= (NM_001170415.1, NM_001369874.1, NM_001369875.1); c.2010C>T, p.Asp670= (NM_001170416.2); c.1842C>T, p.Asp614= (NM_001369870.1); c.1848C>T, p.Asp616= (NM_001369871.1, NM_001170414.2); c.1917C>T, p.Asp639= (NM_001369872.1, NM_001369873.1, NM_201629.3).
Identifiers: ClinVar variation 44094 (VCV000044094.19), dbSNP rs12340440, ClinGen allele CA133549.
Genomic context (GRCh38, chr9:69,236,164, plus strand): 5'-TCCACAGAGCCTGGCCTTCACCAGAGGGGAGGTCTTCCGAGTGGTAGACACACTGTATGA[C>T]GGCAAGCTGGGCAACTGGCTGGCTGTGAGGATTGGGAACGAGTTGGAGAAAGGCTTAATC-3'
Protein context (NP_004808.2, residues 629-649): EVFRVVDTLY[Asp639=]GKLGNWLAVR

ClinVar aggregate classification (germline): Benign. Review status: criteria provided, multiple submitters, no conflicts (2 of 4 stars). 7 submissions from 7 submitters: Benign (7). Last evaluated 2026-01-21.

Allele frequency attached by ClinVar (database versions not stated): gnomAD exomes 0.00115 and 0.00342; ExAC 0.00419; gnomAD 0.01266 and 0.01348; TOPMed 0.01399; ESP Exome Variant Server 0.01453; 1000 Genomes Project 0.01498; 1000 Genomes Project 30x 0.01718.
gnomAD v4.1: 3,668 of 1,614,090 alleles (0.23%); highest among the groups gnomAD compares: African/African-American, 4.2%; 59 homozygotes.

Submissions (7):

Labcorp Genetics (formerly Invitae), Labcorp
Classification: Benign. Last evaluated: 2026-01-21. Review status: criteria provided, single submitter. Criteria: Invitae Variant Classification Sherloc (09022015). Collection method: clinical testing. Allele origin: germline.

Mayo Clinic Laboratories, Mayo Clinic
Classification: Benign. Last evaluated: 2022-04-20. Review status: criteria provided, single submitter. Criteria: ACMG Guidelines, 2015. Collection method: clinical testing. Allele origin: germline. Observed: 11 variant alleles.
Comment: BA1, BP4, BP7

Athena Diagnostics
Classification: Benign. Last evaluated: 2018-05-24. Review status: criteria provided, single submitter. Criteria: Athena Diagnostics Criteria. Collection method: clinical testing. Allele origin: germline.

GeneDx
Classification: Benign. Last evaluated: 2018-01-29. Review status: criteria provided, single submitter. Criteria: GeneDx Variant Classification (06012015). Collection method: clinical testing. Allele origin: germline. Affected: yes.
Comment: This variant is considered likely benign or benign based on one or more of the following criteria: it is a conservative change, it occurs at a poorly conserved position in the protein, it is predicted to be benign by multiple in silico algorithms, and/or has population frequency not consistent with disease.

Laboratory for Molecular Medicine, Mass General Brigham Personalized Medicine
Classification: Benign. Last evaluated: 2012-05-07. Review status: criteria provided, single submitter. Criteria: LMM Criteria. Collection method: clinical testing. Allele origin: germline. Observed: 5 variant alleles.
Comment: "Asp616Asp in Exon 14 of TJP2: This variant is not expected to have clinical sig nificance because it does not alter an amino acid residue, is not located within the splice consensus sequence, and has been identified in 4.2% (157/3738) of Af rican American chromosomes from a broad population by the NHLBI Exome Sequencing Project (dbSNP rs12340440)."

Breakthrough Genomics
Classification: Benign. Review status: criteria provided, single submitter. Criteria: ACMG Guidelines, 2015. Collection method: not provided. Allele origin: germline. Inheritance: Autosomal recessive inheritance. Affected: yes.

PreventionGenetics, part of Exact Sciences
Classification: Benign. Review status: criteria provided, single submitter. Criteria: ACMG Guidelines, 2015. Collection method: clinical testing. Allele origin: germline.